The following is an entry in ClinVar:

NM_004366.6(CLCN2):c.2161G>C (p.Gly721Arg)

Gene: CLCN2 (chloride voltage-gated channel 2; minus strand). Cytogenetic location: 3q27.1.
Variant type: single nucleotide variant.
Coding change: c.2161G>C on transcript NM_004366.6 (MANE Select); coding-DNA position 2161, G replaced by C.
Protein change: p.Gly721Arg; replaces glycine 721 with arginine.
Molecular consequence: missense variant.
Genome position (GRCh38, 1-based): chr3:184,352,793, C>G on the plus strand (G>C on the coding strand, the complement: CLCN2 is on the minus strand). VCF-style: chr3-184352793-C-G. GRCh37 (hg19) VCF-style: chr3-184070581-C-G.
Other names: c.2110G>C, p.Gly704Arg (NM_001171087.3); c.2029G>C, p.Gly677Arg (NM_001171088.3); c.2161G>C, p.Gly721Arg (NM_001171089.3); short protein forms G677R, G704R, G721R.
Identifiers: ClinVar variation 3588998 (VCV003588998.2).

ClinVar aggregate classification (germline): Uncertain significance. Review status: criteria provided, multiple submitters, no conflicts (2 of 4 stars). 2 submissions from 2 submitters: Uncertain significance (2). Last evaluated 2025-02-21.

Conditions:
Epilepsy, idiopathic generalized, susceptibility to, 11 (EIG11). Identifiers: Orphanet 307, MedGen C2750893, MONDO:0011875, OMIM 607628.
Leukoencephalopathy with mild cerebellar ataxia and white matter edema (LKPAT). Also called: Leukoencephalopathy with ataxia; Leukoencephalopathy with white matter edema; Brain white matter edema; CLCN2-Related Leukoencephalopathy. Identifiers: Orphanet 363540, MedGen C4554120, MONDO:0014292, OMIM 615651. Disease mechanism: loss of function.
Familial hyperaldosteronism type II. Also called: FH II. Identifiers: Orphanet 404, MedGen C1854107, MONDO:0011576, OMIM 605635.

gnomAD v4.1: 3 of 1,613,116 alleles (0.00019%); highest among the groups gnomAD compares: Non-Finnish European, 0.00025%; no homozygotes.

Submissions (2):

Women's Health and Genetics/Laboratory Corporation of America, LabCorp
Classification: Uncertain significance. Last evaluated: 2025-02-21. Review status: criteria provided, single submitter. Criteria: LabCorp Variant Classification Summary - May 2015. Collection method: clinical testing. Allele origin: germline.
Comment: Variant summary: CLCN2 c.2161G>C (p.Gly721Arg) results in a non-conservative amino acid change in the encoded protein sequence. Three of five in-silico tools predict a benign effect of the variant on protein function. The variant was absent in 249776 control chromosomes. The available data on variant occurrences in the general population are insufficient to allow any conclusion about variant significance. To our knowledge, no occurrence of c.2161G>C in individuals affected with CLCN2-Related Disorders and no experimental evidence demonstrating its impact on protein function have been reported. ClinVar contains an entry for this variant (Variation ID: 3588998). Based on the evidence outlined above, the variant was classified as uncertain significance.

Fulgent Genetics
Classification: Uncertain significance for Familial hyperaldosteronism type II; Epilepsy, idiopathic generalized, susceptibility to, 11; Leukoencephalopathy with mild cerebellar ataxia and white matter edema. Last evaluated: 2024-06-18. Review status: criteria provided, single submitter. Criteria: ACMG Guidelines, 2015. Collection method: clinical testing. Allele origin: germline.